The following is an entry in ClinVar:

ClinVar aggregate classification (germline): Likely benign (1 of 4 stars; one submission).

Allele frequency attached by ClinVar (database versions not stated): ExAC 0.00036; gnomAD 0.00039; gnomAD exomes 0.00053; 1000 Genomes Project 30x 0.00083; 1000 Genomes Project 0.00768.

Submission:

CeGaT Center for Human Genetics Tuebingen
Classification: Likely benign. Last evaluated: 2023-02-01. Review status: criteria provided, single submitter. Criteria: CeGaT Center For Human Genetics Tuebingen Variant Classification Criteria Version 2. Collection method: clinical testing. Allele origin: germline. Affected: yes. Observed: 2 variant alleles.
Comment: ZXDB: BS2

NM_007157.4(ZXDB):c.232A>C (p.Thr78Pro)

Gene: ZXDB (zinc finger X-linked duplicated B; plus strand). Cytogenetic location: Xp11.21.
Variant type: single nucleotide variant.
Coding change: c.232A>C on transcript NM_007157.4 (MANE Select); coding-DNA position 232, A replaced by C.
Protein change: p.Thr78Pro; replaces threonine 78 with proline.
Molecular consequence: missense variant.
Genome position (GRCh38, 1-based): chrX:57,592,280, A>C. VCF-style: chrX-57592280-A-C. GRCh37 (hg19) VCF-style: chrX-57618713-A-C.
Other names: short protein forms T78P.
Identifiers: ClinVar variation 2660723 (VCV002660723.24), dbSNP rs771783102, ClinGen allele CA10431027.